The following is an entry in ClinVar:

NM_014874.4(MFN2):c.601C>T (p.Pro201Ser)

Gene: MFN2 (mitofusin 2; plus strand). Cytogenetic location: 1p36.22.
Variant type: single nucleotide variant.
Coding change: c.601C>T on transcript NM_014874.4 (MANE Select); coding-DNA position 601, C replaced by T.
Protein change: p.Pro201Ser; replaces proline 201 with serine.
Molecular consequence: missense variant.
Genome position (GRCh38, 1-based): chr1:11,998,771, C>T. VCF-style: chr1-11998771-C-T. GRCh37 (hg19) VCF-style: chr1-12058828-C-T.
Other names: c.601C>T, p.Pro201Ser (NM_001127660.2); short protein forms P201S.
Identifiers: ClinVar variation 962976 (VCV000962976.12), dbSNP rs1639041254, ClinGen allele CA338437658.

ClinVar aggregate classification (germline): Uncertain significance. Review status: criteria provided, multiple submitters, no conflicts (2 of 4 stars). 3 submissions from 3 submitters: Uncertain significance (3). Last evaluated 2026-04-21.

Conditions:
Neuropathy, hereditary motor and sensory, type 6A (HMSN6A). Also called: NEUROPATHY, HEREDITARY MOTOR AND SENSORY, TYPE VIA; HMSN VIA; CHARCOT-MARIE-TOOTH DISEASE, TYPE 6A; NEUROPATHY, HEREDITARY MOTOR AND SENSORY, TYPE VIA, WITH OPTIC ATROPHY. Identifiers: MedGen CN305336, MONDO:0011002, OMIM 601152.
Charcot-Marie-Tooth disease type 2. Also called: Charcot-Marie-Tooth type 2. Identifiers: Orphanet 64746, MedGen C0270914, MONDO:0018993.

Submissions (3):

GeneDx
Classification: Uncertain significance. Last evaluated: 2026-04-21. Review status: criteria provided, single submitter. Criteria: GeneDx Variant Classification Process June 2021. Collection method: clinical testing. Allele origin: germline.
Comment: Not observed at significant frequency in large population cohorts (gnomAD); In silico analysis supports that this missense variant has a deleterious effect on protein structure/function; Has not been previously published as pathogenic or benign to our knowledge; This variant is associated with the following publications: (PMID: 24863639)

Dasa
Classification: Uncertain significance for Neuropathy, hereditary motor and sensory, type 6A. Last evaluated: 2025-07-05. Review status: criteria provided, single submitter. Criteria: DASA Assertion Criteria. Collection method: clinical testing. Allele origin: germline.
Comment: NM_014874.4(MFN2):c.601C>T (p.Pro201Ser) is a missense variant that results in the substitution of proline with serine. This variant is absent from population databases. Computational prediction algorithms are consistent with a deleterious effect. The currently available literature and clinical evidence are not sufficient to establish a definitive association between this variant and the reported condition. Therefore, this variant is classified as a variant of uncertain significance.

Labcorp Genetics (formerly Invitae), Labcorp
Classification: Uncertain significance for Charcot-Marie-Tooth disease type 2. Last evaluated: 2019-07-09. Review status: criteria provided, single submitter. Criteria: Invitae Variant Classification Sherloc (09022015). Collection method: clinical testing. Allele origin: germline.
Comment: This sequence change replaces proline with serine at codon 201 of the MFN2 protein (p.Pro201Ser). The proline residue is highly conserved and there is a moderate physicochemical difference between proline and serine. This variant is not present in population databases (ExAC no frequency). This variant has not been reported in the literature in individuals with MFN2-related conditions. Algorithms developed to predict the effect of missense changes on protein structure and function (SIFT, PolyPhen-2, Align-GVGD) all suggest that this variant is likely to be disruptive, but these predictions have not been confirmed by published functional studies and their clinical significance is uncertain. In summary, the available evidence is currently insufficient to determine the role of this variant in disease. Therefore, it has been classified as a Variant of Uncertain Significance.